The following is an entry in ClinVar:

NM_020754.4(ARHGAP31):c.3160A>C (p.Ser1054Arg)

Gene: ARHGAP31 (Rho GTPase activating protein 31; plus strand). Cytogenetic location: 3q13.33.
Variant type: single nucleotide variant.
Coding change: c.3160A>C on transcript NM_020754.4 (MANE Select); coding-DNA position 3160, A replaced by C.
Protein change: p.Ser1054Arg; replaces serine 1054 with arginine.
Molecular consequence: missense variant.
Genome position (GRCh38, 1-based): chr3:119,415,089, A>C. VCF-style: chr3-119415089-A-C. GRCh37 (hg19) VCF-style: chr3-119133936-A-C.
Other names: short protein forms S1054R.
Identifiers: ClinVar variation 4751535 (VCV004751535.1).

ClinVar aggregate classification (germline): Uncertain significance (1 of 4 stars; one submission).

gnomAD v4.1: 27 of 1,614,110 alleles (0.0017%); highest among the groups gnomAD compares: South Asian, 0.029%; no homozygotes.

Submission:

Labcorp Genetics (formerly Invitae), Labcorp
Classification: Uncertain significance. Last evaluated: 2025-04-27. Review status: criteria provided, single submitter. Criteria: Invitae Variant Classification Sherloc (09022015). Collection method: clinical testing. Allele origin: germline.
Comment: This sequence change replaces serine, which is neutral and polar, with arginine, which is basic and polar, at codon 1054 of the ARHGAP31 protein (p.Ser1054Arg). This variant is present in population databases (rs773232425, gnomAD 0.03%). This variant has not been reported in the literature in individuals affected with ARHGAP31-related conditions. An algorithm developed to predict the effect of missense changes on protein structure and function outputs the following: PolyPhen-2: "Benign". The arginine amino acid residue is found in multiple mammalian species, which suggests that this missense change does not adversely affect protein function. In summary, the available evidence is currently insufficient to determine the role of this variant in disease. Therefore, it has been classified as a Variant of Uncertain Significance.